The following is an entry in ClinVar:

ClinVar aggregate classification (germline): Uncertain significance (1 of 4 stars; one submission).

Conditions:
Developmental and epileptic encephalopathy, 53. Also called: Epileptic encephalopathy, early infantile, 53. Identifiers: MedGen C4479313, MONDO:0033362, OMIM 617389.
Early-onset Parkinson disease 20. Also called: PARKINSON DISEASE 20, AUTOSOMAL RECESSIVE EARLY-ONSET. Identifiers: Orphanet 391411, MedGen C3809824, MONDO:0014233, OMIM 615530.

Allele frequency attached by ClinVar (database versions not stated): ExAC 0.00001; gnomAD exomes 0.00001.
gnomAD v4.1: 18 of 1,613,558 alleles (0.0011%); highest among the groups gnomAD compares: Non-Finnish European, 0.0015%; no homozygotes.

Submission:

Labcorp Genetics (formerly Invitae), Labcorp
Classification: Uncertain significance for Developmental and epileptic encephalopathy, 53; Early-onset Parkinson disease 20. Last evaluated: 2022-07-02. Review status: criteria provided, single submitter. Criteria: Invitae Variant Classification Sherloc (09022015). Collection method: clinical testing. Allele origin: germline.
Comment: This sequence change replaces threonine, which is neutral and polar, with alanine, which is neutral and non-polar, at codon 705 of the SYNJ1 protein (p.Thr705Ala). This variant is not present in population databases (gnomAD no frequency). This variant has not been reported in the literature in individuals affected with SYNJ1-related conditions. ClinVar contains an entry for this variant (Variation ID: 1521982). Algorithms developed to predict the effect of missense changes on protein structure and function are either unavailable or do not agree on the potential impact of this missense change (SIFT: "Tolerated"; PolyPhen-2: "Possibly Damaging"; Align-GVGD: "Class C0"). In summary, the available evidence is currently insufficient to determine the role of this variant in disease. Therefore, it has been classified as a Variant of Uncertain Significance.

NM_203446.3(SYNJ1):c.1996A>G (p.Thr666Ala)

Gene: SYNJ1 (synaptojanin 1; minus strand). Cytogenetic location: 21q22.11.
Variant type: single nucleotide variant.
Coding change: c.1996A>G on transcript NM_203446.3 (MANE Select); coding-DNA position 1996, A replaced by G.
Protein change: p.Thr666Ala; replaces threonine 666 with alanine.
Molecular consequence: missense variant.
Genome position (GRCh38, 1-based): chr21:32,666,092, T>C on the plus strand (A>G on the coding strand, the complement: SYNJ1 is on the minus strand). VCF-style: chr21-32666092-T-C. GRCh37 (hg19) VCF-style: chr21-34038402-T-C.
Other names: c.1996A>G, p.Thr666Ala (NM_001160302.2); c.1981A>G, p.Thr661Ala (NM_001160306.2); c.2113A>G, p.Thr705Ala (NM_003895.4); short protein forms T661A, T705A, T666A.
Identifiers: ClinVar variation 1521982 (VCV001521982.3), dbSNP rs746423709, ClinGen allele CA10003756.